The following is an entry in ClinVar:

NC_000019.9:g.(?_1218406)_(1219422_?)del

Gene: STK11 (serine/threonine kinase 11; plus strand). Cytogenetic location: 19p13.3.
Variant type: Deletion.
Identifiers: ClinVar variation 1073840 (VCV001073840.6).

ClinVar aggregate classification (germline): Pathogenic (1 of 4 stars; one submission).

Conditions:
Peutz-Jeghers syndrome (PJS). Also called: POLYPOSIS, HAMARTOMATOUS INTESTINAL; POLYPS-AND-SPOTS SYNDROME; Peutz-Jeghers polyposis; Periorificial lentiginosis syndrome. Identifiers: Orphanet 2869, MedGen C0031269, MeSH D010580, MONDO:0008280, OMIM 175200.

Submission:

Labcorp Genetics (formerly Invitae), Labcorp
Classification: Pathogenic for Peutz-Jeghers syndrome. Last evaluated: 2023-08-18. Review status: criteria provided, single submitter. Criteria: Invitae Variant Classification Sherloc (09022015). Collection method: clinical testing. Allele origin: germline.
Comment: This variant is a gross deletion of the genomic region encompassing exon(s) 2-3 of the STK11 gene. This variant would be expected to be in-frame, preserving the integrity of the reading frame. A similar copy number variant has been observed in individuals with Peutz‚ÄìJeghers syndrome (PMID: 16287113, 20435009, 20623358, 21118512, 22775437, 25841653). This variant disrupts the p.Met136 amino acid residue in STK11. Other variant(s) that disrupt this residue have been determined to be pathogenic (PMID: 11389158, 24260271; Invitae). This suggests that this residue is clinically significant, and that variants that disrupt this residue are likely to be disease-causing. For these reasons, this variant has been classified as Pathogenic.

Literature cited by the submitters: PubMed 16287113; PubMed 20435009; PubMed 20623358; PubMed 21118512; PubMed 22775437; PubMed 25841653; PubMed 11389158; PubMed 24260271.